The following is an entry in ClinVar:

NM_001035.3(RYR2):c.1171-5T>G

Gene: RYR2 (ryanodine receptor 2; plus strand). Cytogenetic location: 1q43.
Variant type: single nucleotide variant.
Coding change: c.1171-5T>G on transcript NM_001035.3 (MANE Select); 5 bases into the intron before coding-DNA position 1171, T replaced by G.
Molecular consequence: intron variant.
Genome position (GRCh38, 1-based): chr1:237,445,396, T>G. VCF-style: chr1-237445396-T-G. GRCh37 (hg19) VCF-style: chr1-237608696-T-G.
Identifiers: ClinVar variation 1739645 (VCV001739645.2), dbSNP rs2528378274, ClinGen allele CA2580062399.

ClinVar aggregate classification (germline): Uncertain significance (1 of 4 stars; one submission).

Conditions:
Cardiovascular phenotype. Identifiers: MedGen CN230736.

Submission:

Ambry Genetics
Classification: Uncertain significance for Cardiovascular phenotype. Last evaluated: 2021-09-24. Review status: criteria provided, single submitter. Criteria: Ambry Variant Classification Scheme 2023. Collection method: clinical testing. Allele origin: germline.
Comment: The c.1171-5T>G intronic variant results from a T to G substitution 5 nucleotides upstream from coding exon 14 in the RYR2 gene. This nucleotide position is not well conserved in available vertebrate species. In silico splice site analysis predicts that this alteration will not have any significant effect on splicing. Since supporting evidence is limited at this time, the clinical significance of this alteration remains unclear.